The following is an entry in ClinVar:

NM_023036.6(DNAI2):c.355C>A (p.His119Asn)

Gene: DNAI2 (dynein axonemal intermediate chain 2; plus strand). Cytogenetic location: 17q25.1.
Variant type: single nucleotide variant.
Coding change: c.355C>A on transcript NM_023036.6 (MANE Select); coding-DNA position 355, C replaced by A.
Protein change: p.His119Asn; replaces histidine 119 with asparagine.
Molecular consequence: missense variant.
Genome position (GRCh38, 1-based): chr17:74,286,986, C>A. VCF-style: chr17-74286986-C-A. GRCh37 (hg19) VCF-style: chr17-72283125-C-A.
Other names: c.355C>A, p.His119Asn (NM_001172810.3, NM_001353167.2); short protein forms H119N.
Identifiers: ClinVar variation 3841378 (VCV003841378.1).

ClinVar aggregate classification (germline): Uncertain significance (1 of 4 stars; one submission).

Conditions:
Primary ciliary dyskinesia. Also called: Ciliary dyskinesia. Identifiers: Orphanet 244, MedGen C0008780, MONDO:0016575, HP:0012265.

gnomAD v4.1: 43 of 1,613,700 alleles (0.0027%); highest among the groups gnomAD compares: Non-Finnish European, 0.0036%; no homozygotes.

Submission:

Ambry Genetics
Classification: Uncertain significance for Primary ciliary dyskinesia. Last evaluated: 2024-12-21. Review status: criteria provided, single submitter. Criteria: Ambry Variant Classification Scheme 2023. Collection method: clinical testing. Allele origin: germline.
Comment: The p.H119N variant (also known as c.355C>A), located in coding exon 3 of the DNAI2 gene, results from a C to A substitution at nucleotide position 355. The histidine at codon 119 is replaced by asparagine, an amino acid with similar properties. This amino acid position is conserved. In addition, this alteration is predicted to be tolerated by in silico analysis. Based on the available evidence, the clinical significance of this variant remains unclear.